The following is an entry in ClinVar:

ClinVar aggregate classification (germline): Likely pathogenic (1 of 4 stars; one submission).

Allele frequency attached by ClinVar (database versions not stated): TOPMed below 0.00001.

Submission:

Labcorp Genetics (formerly Invitae), Labcorp
Classification: Likely pathogenic. Last evaluated: 2022-03-10. Review status: criteria provided, single submitter. Criteria: Invitae Variant Classification Sherloc (09022015). Collection method: clinical testing. Allele origin: germline.
Comment: This variant is not present in population databases (gnomAD no frequency). This sequence change affects an acceptor splice site in intron 5 of the P3H2 gene. It is expected to disrupt RNA splicing. Variants that disrupt the donor or acceptor splice site typically lead to a loss of protein function (PMID: 16199547), and loss-of-function variants in P3H2 are known to be pathogenic (PMID: 24172257, 25469533). This variant has not been reported in the literature in individuals affected with P3H2-related conditions. Algorithms developed to predict the effect of sequence changes on RNA splicing suggest that this variant may disrupt the consensus splice site. In summary, the currently available evidence indicates that the variant is pathogenic, but additional data are needed to prove that conclusively. Therefore, this variant has been classified as Likely Pathogenic.

Literature cited by the submitters: PubMed 16199547; PubMed 24172257; PubMed 25469533.

NM_018192.4(P3H2):c.1099-1G>A

Gene: P3H2 (prolyl 3-hydroxylase 2; minus strand). Cytogenetic location: 3q28.
Variant type: single nucleotide variant.
Coding change: c.1099-1G>A on transcript NM_018192.4 (MANE Select); the canonical splice acceptor site of the intron before coding-DNA position 1099, G replaced by A.
Molecular consequence: splice acceptor variant.
Genome position (GRCh38, 1-based): chr3:189,986,878, C>T on the plus strand (G>A on the coding strand, the complement: P3H2 is on the minus strand). VCF-style: chr3-189986878-C-T. GRCh37 (hg19) VCF-style: chr3-189704667-C-T.
Other names: c.556-1G>A (NM_001134418.2).
Identifiers: ClinVar variation 1513274 (VCV001513274.8), dbSNP rs1723717935, ClinGen allele CA355757236.